The following is an entry in ClinVar:

ClinVar aggregate classification (germline): Uncertain significance (1 of 4 stars; one submission).

Allele frequency attached by ClinVar (database versions not stated): TOPMed 0.00001.

Submission:

Labcorp Genetics (formerly Invitae), Labcorp
Classification: Uncertain significance. Last evaluated: 2023-09-25. Review status: criteria provided, single submitter. Criteria: Invitae Variant Classification Sherloc (09022015). Collection method: clinical testing. Allele origin: germline.
Comment: This sequence change replaces threonine, which is neutral and polar, with isoleucine, which is neutral and non-polar, at codon 36 of the HMX1 protein (p.Thr36Ile). In summary, the available evidence is currently insufficient to determine the role of this variant in disease. Therefore, it has been classified as a Variant of Uncertain Significance. Advanced modeling of protein sequence and biophysical properties (such as structural, functional, and spatial information, amino acid conservation, physicochemical variation, residue mobility, and thermodynamic stability) performed at Invitae indicates that this missense variant is not expected to disrupt HMX1 protein function. ClinVar contains an entry for this variant (Variation ID: 1937119). This variant has not been reported in the literature in individuals affected with HMX1-related conditions. This variant is not present in population databases (gnomAD no frequency).

NM_018942.3(HMX1):c.107C>T (p.Thr36Ile)

Gene: HMX1 (H6 family homeobox 1; minus strand). Cytogenetic location: 4p16.1.
Variant type: single nucleotide variant.
Coding change: c.107C>T on transcript NM_018942.3 (MANE Select); coding-DNA position 107, C replaced by T.
Protein change: p.Thr36Ile; replaces threonine 36 with isoleucine.
Molecular consequence: missense variant.
Genome position (GRCh38, 1-based): chr4:8,871,508, G>A on the plus strand (C>T on the coding strand, the complement: HMX1 is on the minus strand). VCF-style: chr4-8871508-G-A. GRCh37 (hg19) VCF-style: chr4-8873234-G-A.
Other names: c.107C>T, p.Thr36Ile (NM_001306142.2); short protein forms T36I.
Identifiers: ClinVar variation 1937119 (VCV001937119.5), dbSNP rs1422664369, ClinGen allele CA356279373.